The following is an entry in ClinVar:

ClinVar aggregate classification (germline): Uncertain significance (1 of 4 stars; one submission).

Allele frequency attached by ClinVar (database versions not stated): TOPMed below 0.00001.

Submission:

Labcorp Genetics (formerly Invitae), Labcorp
Classification: Uncertain significance. Last evaluated: 2023-08-11. Review status: criteria provided, single submitter. Criteria: Invitae Variant Classification Sherloc (09022015). Collection method: clinical testing. Allele origin: germline.
Comment: This variant has not been reported in the literature in individuals affected with RNF31-related conditions. This variant is not present in population databases (gnomAD no frequency). This sequence change replaces glutamine, which is neutral and polar, with histidine, which is basic and polar, at codon 409 of the RNF31 protein (p.Gln409His). An algorithm developed to predict the effect of missense changes on protein structure and function (PolyPhen-2) suggests that this variant is likely to be disruptive. In summary, the available evidence is currently insufficient to determine the role of this variant in disease. Therefore, it has been classified as a Variant of Uncertain Significance.

NM_017999.5(RNF31):c.1227G>C (p.Gln409His)

Gene: RNF31 (ring finger protein 31; plus strand). Cytogenetic location: 14q12.
Variant type: single nucleotide variant.
Coding change: c.1227G>C on transcript NM_017999.5 (MANE Select); coding-DNA position 1227, G replaced by C.
Protein change: p.Gln409His; replaces glutamine 409 with histidine.
Molecular consequence: missense variant.
Genome position (GRCh38, 1-based): chr14:24,150,627, G>C. VCF-style: chr14-24150627-G-C. GRCh37 (hg19) VCF-style: chr14-24619836-G-C.
Other names: c.774G>C, p.Gln258His (NM_001310332.2); short protein forms Q409H, Q258H.
Identifiers: ClinVar variation 2752122 (VCV002752122.3), dbSNP rs2038250584, ClinGen allele CA389292654.
Genomic context (GRCh38, chr14:24,150,627, plus strand): 5'-GTCAAAGGGATAATTCTCTCTGCCTTCCCAGCAGGGGGATGCTTTGCTGGCCTCTGCCCA[G>C]AGTCAAGTCTGGTACTGTATTCACTGTACCTTCTGCAACTCGAGCCCTGGCTGGGTGTGT-3'
Protein context (NP_060469.4, residues 399-419): QQGDALLASA[Gln409His]SQVWYCIHCT